The following is an entry in ClinVar:

NM_001927.4(DES):c.569T>C (p.Leu190Pro)

Gene: DES (desmin; plus strand). Cytogenetic location: 2q35.
Variant type: single nucleotide variant.
Coding change: c.569T>C on transcript NM_001927.4 (MANE Select); coding-DNA position 569, T replaced by C.
Protein change: p.Leu190Pro; replaces leucine 190 with proline.
Molecular consequence: missense variant. On other transcripts: intron variant (1).
Genome position (GRCh38, 1-based): chr2:219,419,031, T>C. VCF-style: chr2-219419031-T-C. GRCh37 (hg19) VCF-style: chr2-220283753-T-C.
Other names: NM_001382713.1:c.495+74T>C; c.569T>C, p.Leu190Pro (NM_001382708.1, NM_001382709.1, NM_001382710.1 and 2 more transcripts); c.495+74T>C (NM_001382713.1); short protein forms L190P.
Identifiers: ClinVar variation 4011011 (VCV004011011.3).

ClinVar aggregate classification (germline): Conflicting classifications of pathogenicity. Review status: criteria provided, conflicting classifications (1 of 4 stars). 3 submissions from 3 submitters: Pathogenic (1); Likely pathogenic (1); Uncertain significance (1). Last evaluated 2025-10-28.

Conditions:
Limb-girdle muscular dystrophy (LGMD). Also called: Muscular Dystrophies, Limb-Girdle. Identifiers: Orphanet 263, MedGen C0686353, MeSH D049288, MONDO:0016971, HP:0006785.
Desmin-related myofibrillar myopathy (MFM1). Also called: MYOFIBRILLAR MYOPATHY WITH ARRHYTHMOGENIC RIGHT VENTRICULAR CARDIOMYOPATHY; DESMIN-RELATED MYOPATHY WITH ARRHYTHMOGENIC RIGHT VENTRICULAR CARDIOMYOPATHY; Myofibrillar myopathy 1; Desminopathy; Desmin related myopathy (former name); Desmin storage myopathy (former name). Identifiers: Orphanet 363543, Orphanet 98909, MedGen C1832370, MONDO:0011076, OMIM 601419.
Cardiovascular phenotype. Identifiers: MedGen CN230736.

Submissions (3):

Labcorp Genetics (formerly Invitae), Labcorp
Classification: Pathogenic for Desmin-related myofibrillar myopathy. Last evaluated: 2025-10-28. Review status: criteria provided, single submitter. Criteria: Invitae Variant Classification Sherloc (09022015). Collection method: clinical testing. Allele origin: germline.
Comment: This sequence change replaces leucine, which is neutral and non-polar, with proline, which is neutral and non-polar, at codon 190 of the DES protein (p.Leu190Pro). This variant is not present in population databases (gnomAD no frequency). This missense change has been observed in individual(s) with autosomal recessive DES-related conditions (PMID: 31024060). In at least one individual the data is consistent with being in trans (on the opposite chromosome) from a pathogenic variant. It has also been observed to segregate with disease in related individuals. ClinVar contains an entry for this variant (Variation ID: 4011011). Invitae Evidence Modeling of protein sequence and biophysical properties (such as structural, functional, and spatial information, amino acid conservation, physicochemical variation, residue mobility, and thermodynamic stability) indicates that this missense variant is expected to disrupt DES protein function with a positive predictive value of 95%. For these reasons, this variant has been classified as Pathogenic.

Broad Center for Mendelian Genomics, Broad Institute of MIT and Harvard
Classification: Likely pathogenic for Limb-girdle muscular dystrophy. Last evaluated: 2025-06-23. Review status: criteria provided, single submitter. Criteria: ACMG Guidelines, 2015. Collection method: curation. Allele origin: germline. Inheritance: Autosomal recessive inheritance. Study: GREGoR Consortium.
Comment: The heterozygous p.Leu190Pro variant in DES was identified by our study, in the compound heterozygous state along with a likely pathogenic variant, in 2 affected siblings with limb-girdle muscular dystrophy (PMID: 31024060). Trio genome analysis revealed that this variant was in trans with the pathogenic variant (VCV001675841.24; PMID: 31024060). The p.Leu190Pro variant in DES has not been previously reported in the literature in individuals with limb-girdle muscular dystrophy, and was absent from large population studies. In vitro functional studies provide some evidence that the p.Leu190Pro variant may impact protein function (PMID: 31024060). However, these types of assays may not accurately represent biological function. Computational prediction tools and conservation analyses suggest that this variant may impact the protein, though this information is not predictive enough to determine pathogenicity. In summary, although additional studies are required to fully establish its clinical significance, this variant is likely pathogenic for autosomal recessive limb-girdle muscular dystrophy. ACMG/AMP Criteria applied: PP3_moderate, PM3, PM2_supporting, PS3_moderate (Richards 2015).

Ambry Genetics
Classification: Uncertain significance for Cardiovascular phenotype. Last evaluated: 2025-04-30. Review status: criteria provided, single submitter. Criteria: Ambry Variant Classification Scheme 2023. Collection method: clinical testing. Allele origin: germline.
Comment: The p.L190P variant (also known as c.569T>C), located in coding exon 1 of the DES gene, results from a T to C substitution at nucleotide position 569. The leucine at codon 190 is replaced by proline, an amino acid with similar properties. This variant has been reported, along with a deep intronic variant in DES, in a pair of siblings with features of DES-related myopathy (Riley LG et al. Eur J Hum Genet, 2019 Aug;27:1267-1273). This amino acid position is highly conserved in available vertebrate species. In addition, this alteration is predicted to be deleterious by in silico analysis. Based on the available evidence, the clinical significance of this variant remains unclear.

Literature cited by the submitters: PubMed 31024060 (cited by 3 submitters).